The following is an entry in ClinVar:

NM_170606.3(KMT2C):c.9138T>A (p.Leu3046=)

Gene: KMT2C (lysine methyltransferase 2C; minus strand). Cytogenetic location: 7q36.1.
Variant type: single nucleotide variant.
Coding change: c.9138T>A on transcript NM_170606.3 (MANE Select); coding-DNA position 9138, T replaced by A.
Protein change: p.Leu3046=; no amino-acid change (leucine 3046 retained).
Molecular consequence: synonymous variant.
Genome position (GRCh38, 1-based): chr7:152,176,315, A>T on the plus strand (T>A on the coding strand, the complement: KMT2C is on the minus strand). VCF-style: chr7-152176315-A-T. GRCh37 (hg19) VCF-style: chr7-151873400-A-T.
Other names: c.9138T>A (NM_170606.2).
Identifiers: ClinVar variation 1568753 (VCV001568753.32), dbSNP rs138871839, ClinGen allele CA4579554.

ClinVar aggregate classification (germline): Likely benign. Review status: criteria provided, multiple submitters, no conflicts (2 of 4 stars). 3 submissions from 3 submitters: Likely benign (2). 1 of the submissions does not count toward it. Last evaluated 2025-10-01.

Conditions:
KMT2C-related disorder. Also called: KMT2C-related condition; KMT2C-related disorders.

Allele frequency attached by ClinVar (database versions not stated): 1000 Genomes Project 30x 0.00016; 1000 Genomes Project 0.00020; gnomAD exomes 0.00051 and 0.00121; ExAC 0.00054; TOPMed 0.00073; gnomAD 0.00079 and 0.00081; ESP Exome Variant Server 0.00115.
gnomAD v4.1: 1,868 of 1,614,152 alleles (0.12%); highest among the groups gnomAD compares: Non-Finnish European, 0.15%; 2 homozygotes.

Submissions (3):

CeGaT Center for Human Genetics Tuebingen
Classification: Likely benign. Last evaluated: 2025-10-01. Review status: criteria provided, single submitter. Criteria: CeGaT Center For Human Genetics Tuebingen Variant Classification Criteria Version 2. Collection method: clinical testing. Allele origin: germline. Affected: yes. Observed: 4 variant alleles.
Comment: KMT2C: BP4, BP7

Labcorp Genetics (formerly Invitae), Labcorp
Classification: Likely benign. Last evaluated: 2024-09-06. Review status: criteria provided, single submitter. Criteria: Invitae Variant Classification Sherloc (09022015). Collection method: clinical testing. Allele origin: germline.

PreventionGenetics, part of Exact Sciences
Classification: Likely benign for KMT2C-related condition. Last evaluated: 2020-10-01. Review status: no assertion criteria provided. Collection method: clinical testing. Allele origin: germline. Not counted in ClinVar's aggregate classification.
Comment: This variant is classified as likely benign based on ACMG/AMP sequence variant interpretation guidelines (Richards et al. 2015 PMID: 25741868, with internal and published modifications).